The following is an entry in ClinVar:

ClinVar aggregate classification (germline): Uncertain significance. Review status: criteria provided, multiple submitters, no conflicts (2 of 4 stars). 5 submissions from 4 submitters: Uncertain significance (5). Last evaluated 2025-05-21.

Conditions:
Ectopia lentis et pupillae. Also called: ECTOPIA LENTIS WITH ECTOPIA OF PUPIL. Identifiers: Orphanet 1885, MedGen C1644196, MONDO:0009153, OMIM 225200.
ADAMTSL4-related disorder. Also called: ADAMTSL4-related condition; ADAMTSL4-Related Disorders.
Inborn genetic diseases. Identifiers: MedGen C0950123, MeSH D030342.
Ectopia lentis 2, isolated, autosomal recessive (ECTOL2). Identifiers: Orphanet 1885, MedGen C3541474, MONDO:0009152, OMIM 225100.

Allele frequency attached by ClinVar (database versions not stated): ExAC 0.00001; gnomAD exomes 0.00001; gnomAD 0.00002; TOPMed 0.00002.

Submissions (5):

PreventionGenetics, part of Exact Sciences
Classification: Uncertain significance for ADAMTSL4-related condition. Last evaluated: 2025-05-21. Review status: criteria provided, single submitter. Criteria: ACMG Guidelines, 2015. Collection method: clinical testing. Allele origin: germline.
Comment: The ADAMTSL4 c.1997C>T variant is predicted to result in the amino acid substitution p.Ala666Val. To our knowledge, this variant has not been reported in the literature. This variant is reported in 0.0055% of alleles in individuals of East Asian descent in gnomAD. At this time, the clinical significance of this variant is uncertain due to the absence of conclusive functional and genetic evidence.

Genome-Nilou Lab
Classification: Uncertain significance for Ectopia lentis et pupillae. Last evaluated: 2023-04-11. Review status: criteria provided, single submitter. Criteria: ACMG Guidelines, 2015. Collection method: clinical testing. Allele origin: germline. Affected: no.

Genome-Nilou Lab
Classification: Uncertain significance for Ectopia lentis 2, isolated, autosomal recessive. Last evaluated: 2023-04-11. Review status: criteria provided, single submitter. Criteria: ACMG Guidelines, 2015. Collection method: clinical testing. Allele origin: germline. Affected: no.

Labcorp Genetics (formerly Invitae), Labcorp
Classification: Uncertain significance. Last evaluated: 2022-11-01. Review status: criteria provided, single submitter. Criteria: Invitae Variant Classification Sherloc (09022015). Collection method: clinical testing. Allele origin: germline.
Comment: This sequence change replaces alanine, which is neutral and non-polar, with valine, which is neutral and non-polar, at codon 666 of the ADAMTSL4 protein (p.Ala666Val). This variant is present in population databases (rs763431694, gnomAD 0.006%). This variant has not been reported in the literature in individuals affected with ADAMTSL4-related conditions. Advanced modeling of protein sequence and biophysical properties (such as structural, functional, and spatial information, amino acid conservation, physicochemical variation, residue mobility, and thermodynamic stability) performed at Invitae indicates that this missense variant is not expected to disrupt ADAMTSL4 protein function. In summary, the available evidence is currently insufficient to determine the role of this variant in disease. Therefore, it has been classified as a Variant of Uncertain Significance.

Ambry Genetics
Classification: Uncertain significance for Inborn genetic diseases. Last evaluated: 2022-05-09. Review status: criteria provided, single submitter. Criteria: Ambry Variant Classification Scheme 2023. Collection method: clinical testing. Allele origin: germline.

NM_019032.6(ADAMTSL4):c.1997C>T (p.Ala666Val)

Genes: ADAMTSL4 (ADAMTS like 4; plus strand), ADAMTSL4-AS2 (ADAMTSL4 antisense RNA 2; minus strand). Cytogenetic location: 1q21.2.
Variant type: single nucleotide variant.
Coding change: c.1997C>T on transcript NM_019032.6 (MANE Select); coding-DNA position 1997, C replaced by T.
Protein change: p.Ala666Val; replaces alanine 666 with valine.
Molecular consequence: missense variant.
Genome position (GRCh38, 1-based): chr1:150,557,285, C>T. VCF-style: chr1-150557285-C-T. GRCh37 (hg19) VCF-style: chr1-150529761-C-T.
Other names: c.1997C>T (NM_019032.5); c.1880C>T, p.Ala627Val (NM_001288607.2); c.2066C>T, p.Ala689Val (NM_001288608.2); c.1997C>T, p.Ala666Val (NM_001378596.1, NM_025008.5); short protein forms A627V, A666V, A689V.
Identifiers: ClinVar variation 2053952 (VCV002053952.4), dbSNP rs763431694, ClinGen allele CA1078481.